The following is an entry in ClinVar:

ClinVar aggregate classification (germline): Uncertain significance. Review status: criteria provided, multiple submitters, no conflicts (2 of 4 stars). 3 submissions from 3 submitters: Uncertain significance (3). Last evaluated 2025-11-08.

Conditions:
Familial thoracic aortic aneurysm and aortic dissection (TAAD). Also called: Thoracic aortic aneurysms and dissections. Identifiers: Orphanet 91387, MedGen C4707243, MONDO:0019625.
Shprintzen-Goldberg syndrome (SGS). Also called: CRANIOSYNOSTOSIS WITH ARACHNODACTYLY AND ABDOMINAL HERNIAS; Marfanoid disorder with craniosynostosis type 1; Marfanoid craniosynostosis syndrome; Shprintzen-Goldberg marfanoid syndrome; SHPRINTZEN-GOLDBERG CRANIOSYNOSTOSIS SYNDROME. Identifiers: Orphanet 2462, MedGen C1321551, MONDO:0008426, OMIM 182212.

Allele frequency attached by ClinVar (database versions not stated): gnomAD exomes 0.00001.
gnomAD v4.1: 15 of 1,277,594 alleles (0.0012%); highest among the groups gnomAD compares: Non-Finnish European, 0.0013%; no homozygotes.

Submissions (3):

Labcorp Genetics (formerly Invitae), Labcorp
Classification: Uncertain significance for Shprintzen-Goldberg syndrome. Last evaluated: 2025-11-08. Review status: criteria provided, single submitter. Criteria: Invitae Variant Classification Sherloc (09022015). Collection method: clinical testing. Allele origin: germline.
Comment: This sequence change replaces alanine, which is neutral and non-polar, with valine, which is neutral and non-polar, at codon 3 of the SKI protein (p.Ala3Val). This variant is not present in population databases (gnomAD no frequency). This variant has not been reported in the literature in individuals affected with SKI-related conditions. ClinVar contains an entry for this variant (Variation ID: 520156). Invitae Evidence Modeling of protein sequence and biophysical properties (such as structural, functional, and spatial information, amino acid conservation, physicochemical variation, residue mobility, and thermodynamic stability) indicates that this missense variant is expected to disrupt SKI protein function with a positive predictive value of 95%. In summary, the available evidence is currently insufficient to determine the role of this variant in disease. Therefore, it has been classified as a Variant of Uncertain Significance.

Ambry Genetics
Classification: Uncertain significance for Familial thoracic aortic aneurysm and aortic dissection. Last evaluated: 2023-12-16. Review status: criteria provided, single submitter. Criteria: Ambry Variant Classification Scheme 2023. Collection method: clinical testing. Allele origin: germline.
Comment: The p.A3V variant (also known as c.8C>T), located in coding exon 1 of the SKI gene, results from a C to T substitution at nucleotide position 8. The alanine at codon 3 is replaced by valine, an amino acid with similar properties. This variant was not reported in population based cohorts in the following databases: Database of Single Nucleotide Polymorphisms (dbSNP), NHLBI Exome Sequencing Project (ESP), and 1000 Genomes Project. In the ESP, this variant was not observed in 2574 samples (5148 alleles) with coverage at this position. This amino acid position is poorly conserved on very limited sequence alignment, and valine is the reference amino acid in other vertebrate species. In addition, this alteration is predicted to be tolerated by in silico analysis. Since supporting evidence is limited at this time, the clinical significance of this alteration remains unclear.

GeneDx
Classification: Uncertain significance. Last evaluated: 2023-02-13. Review status: criteria provided, single submitter. Criteria: GeneDx Variant Classification Process June 2021. Collection method: clinical testing. Allele origin: germline. Affected: yes.
Comment: Has not been previously published as pathogenic or benign to our knowledge; Not observed at significant frequency in large population cohorts (gnomAD); In silico analysis supports that this missense variant does not alter protein structure/function

NM_003036.4(SKI):c.8C>T (p.Ala3Val)

Gene: SKI (SKI proto-oncogene; plus strand). Cytogenetic location: 1p36.33.
Variant type: single nucleotide variant.
Coding change: c.8C>T on transcript NM_003036.4 (MANE Select); coding-DNA position 8, C replaced by T.
Protein change: p.Ala3Val; replaces alanine 3 with valine.
Molecular consequence: missense variant.
Genome position (GRCh38, 1-based): chr1:2,228,774, C>T. VCF-style: chr1-2228774-C-T. GRCh37 (hg19) VCF-style: chr1-2160213-C-T.
Other names: short protein forms A3V.
Identifiers: ClinVar variation 520156 (VCV000520156.14), dbSNP rs1553189801, ClinGen allele CA337951862.